The following is an entry in ClinVar:

ClinVar aggregate classification (germline): Uncertain significance (1 of 4 stars; one submission).

Conditions:
Familial thoracic aortic aneurysm and aortic dissection (TAAD). Also called: Thoracic aortic aneurysms and dissections. Identifiers: Orphanet 91387, MedGen C4707243, MONDO:0019625.

gnomAD v4.1: 2 of 1,613,852 alleles (0.00012%); highest among the groups gnomAD compares: Non-Finnish European, 0.00017%; no homozygotes.

Submission:

Labcorp Genetics (formerly Invitae), Labcorp
Classification: Uncertain significance for Familial thoracic aortic aneurysm and aortic dissection. Last evaluated: 2025-04-10. Review status: criteria provided, single submitter. Criteria: Invitae Variant Classification Sherloc (09022015). Collection method: clinical testing. Allele origin: germline.
Comment: This sequence change replaces valine, which is neutral and non-polar, with isoleucine, which is neutral and non-polar, at codon 197 of the TGFBR1 protein (p.Val197Ile). This variant is not present in population databases (gnomAD no frequency). This variant has not been reported in the literature in individuals affected with TGFBR1-related conditions. Invitae Evidence Modeling of protein sequence and biophysical properties (such as structural, functional, and spatial information, amino acid conservation, physicochemical variation, residue mobility, and thermodynamic stability) indicates that this missense variant is not expected to disrupt TGFBR1 protein function with a negative predictive value of 80%. In summary, the available evidence is currently insufficient to determine the role of this variant in disease. Therefore, it has been classified as a Variant of Uncertain Significance.

NM_004612.4(TGFBR1):c.589G>A (p.Val197Ile)

Gene: TGFBR1 (transforming growth factor beta receptor 1; plus strand). Cytogenetic location: 9q22.33.
Variant type: single nucleotide variant.
Coding change: c.589G>A on transcript NM_004612.4 (MANE Select); coding-DNA position 589, G replaced by A.
Protein change: p.Val197Ile; replaces valine 197 with isoleucine.
Molecular consequence: missense variant. On other transcripts: non-coding transcript variant (4), intron variant (2).
Genome position (GRCh38, 1-based): chr9:99,137,873, G>A. VCF-style: chr9-99137873-G-A. GRCh37 (hg19) VCF-style: chr9-101900155-G-A.
Other names: c.358G>A, p.Val120Ile (NM_001130916.3); c.601G>A, p.Val201Ile (NM_001306210.2, NM_001407416.1); c.589G>A, p.Val197Ile (NM_001407417.1); c.394G>A, p.Val132Ile (NM_001407418.1, NM_001407419.1, NM_001407420.1 and 1 more transcripts); c.382G>A, p.Val128Ile (NM_001407423.1, NM_001407424.1, NM_001407425.1 and 8 more transcripts); c.343G>A, p.Val115Ile (NM_001407436.1); c.112G>A, p.Val38Ile (NM_001407438.1); c.575-4663G>A (NM_001407435.1); and 1 more; short protein forms V132I, V201I, V120I, V128I, V197I, V38I, V115I.
Identifiers: ClinVar variation 4743844 (VCV004743844.1).
Genomic context (GRCh38, chr9:99,137,873, plus strand): 5'-TGTAATATTGTTGATTGTGTTGAGTACTATTTATTTTTACCTTTAGGTTTACCATTGCTT[G>A]TTCAGAGAACAATTGCGAGAACTATTGTGTTACAAGAAAGCATTGGCAAAGGTCGATTTG-3'
Protein context (NP_004603.1, residues 187-207): SGSGSGLPLL[Val197Ile]QRTIARTIVL